The following is an entry in ClinVar:

NM_003000.3(SDHB):c.56G>A (p.Gly19Asp)

Genes: SDHB (succinate dehydrogenase complex iron sulfur subunit B; minus strand), LOC129929542 (ATAC-STARR-seq lymphoblastoid active region 277; plus strand). Cytogenetic location: 1p36.13.
Variant type: single nucleotide variant.
Coding change: c.56G>A on transcript NM_003000.3 (MANE Select); coding-DNA position 56, G replaced by A.
Protein change: p.Gly19Asp; replaces glycine 19 with aspartic acid.
Molecular consequence: missense variant.
Genome position (GRCh38, 1-based): chr1:17,053,964, C>T on the plus strand (G>A on the coding strand, the complement: SDHB is on the minus strand). VCF-style: chr1-17053964-C-T. GRCh37 (hg19) VCF-style: chr1-17380459-C-T.
Other names: c.56G>A, p.Gly19Asp (NM_001407361.1); short protein forms G19D.
Identifiers: ClinVar variation 3316883 (VCV003316883.1).

ClinVar aggregate classification (germline): Uncertain significance (1 of 4 stars; one submission).

Conditions:
Hereditary cancer-predisposing syndrome. Also called: Neoplastic Syndromes, Hereditary; Tumor predisposition; Hereditary neoplastic syndrome; Hereditary Cancer Syndrome. Identifiers: Orphanet 140162, MedGen C0027672, MeSH D009386, MONDO:0015356.

Submission:

Ambry Genetics
Classification: Uncertain significance for Hereditary cancer-predisposing syndrome. Last evaluated: 2024-04-19. Review status: criteria provided, single submitter. Criteria: Ambry Variant Classification Scheme 2023. Collection method: clinical testing. Allele origin: germline.
Comment: The p.G19D variant (also known as c.56G>A), located in coding exon 1 of the SDHB gene, results from a G to A substitution at nucleotide position 56. The glycine at codon 19 is replaced by aspartic acid, an amino acid with similar properties. This amino acid position is conserved. In addition, the in silico prediction for this alteration is inconclusive. Based on the available evidence, the clinical significance of this variant remains unclear.